The following is an entry in ClinVar:

NM_021830.5(TWNK):c.1429C>T (p.Arg477Cys)

Gene: TWNK (twinkle mtDNA helicase; plus strand). Cytogenetic location: 10q24.31.
Variant type: single nucleotide variant.
Coding change: c.1429C>T on transcript NM_021830.5 (MANE Select); coding-DNA position 1429, C replaced by T.
Protein change: p.Arg477Cys; replaces arginine 477 with cysteine.
Molecular consequence: missense variant. On other transcripts: non-coding transcript variant (5).
Genome position (GRCh38, 1-based): chr10:100,989,829, C>T. VCF-style: chr10-100989829-C-T. GRCh37 (hg19) VCF-style: chr10-102749586-C-T.
Other names: c.1429C>T, p.Arg477Cys (NM_001163812.2); c.67C>T, p.Arg23Cys (NM_001163813.2, NM_001163814.2, NM_001368275.1); short protein forms R23C, R477C.
Identifiers: ClinVar variation 1191969 (VCV001191969.31), dbSNP rs760427334, ClinGen allele CA5653228.
Genomic context (GRCh38, chr10:100,989,829, plus strand): 5'-ACACAGTTTGCCGAGGGGCGGCTGGAAGATCAACTGGACAAATATGATCACTGGGCTGAC[C>T]GCTTTGAGGACCTGCCCCTCTATTTCATGACTTTCCATGGACAGCAAAGCATCAGGTGAG-3'
Protein context (NP_068602.2, residues 467-487): QLDKYDHWAD[Arg477Cys]FEDLPLYFMT

ClinVar aggregate classification (germline): Uncertain significance. Review status: criteria provided, multiple submitters, no conflicts (2 of 4 stars). 6 submissions from 6 submitters: Uncertain significance (6). Last evaluated 2026-06-02.

Conditions:
TWNK-related disorder. Also called: TWNK-related condition.

Allele frequency attached by ClinVar (database versions not stated): gnomAD 0.00001.
gnomAD v4.1: 14 of 1,614,064 alleles (0.00087%); highest among the groups gnomAD compares: South Asian, 0.0066%; no homozygotes.

Submissions (6):

PreventionGenetics, part of Exact Sciences
Classification: Uncertain significance for TWNK-related condition. Last evaluated: 2026-06-02. Review status: criteria provided, single submitter. Criteria: ACMG Guidelines, 2015. Collection method: clinical testing. Allele origin: germline.
Comment: The TWNK c.1429C>T variant is predicted to result in the amino acid substitution p.Arg477Cys. To our knowledge, this variant has not been reported in the literature. This variant is reported in 0.0033% of alleles in individuals of South Asian descent in gnomAD. At this time, the clinical significance of this variant is uncertain due to the absence of conclusive functional and genetic evidence.

Women's Health and Genetics/Laboratory Corporation of America, LabCorp
Classification: Uncertain significance. Last evaluated: 2025-07-02. Review status: criteria provided, single submitter. Criteria: LabCorp Variant Classification Summary - May 2015. Collection method: clinical testing. Allele origin: germline.
Comment: Variant summary: TWNK c.1429C>T (p.Arg477Cys) results in a non-conservative amino acid change located in the DNA helicase, DnaB-like, C-terminal domain (IPR007694) of the encoded protein sequence. Algorithms developed to predict the effect of missense changes on protein structure and function all suggest that this variant is likely to be disruptive. The variant allele was found at a frequency of 1.2e-05 in 251442 control chromosomes. The available data on variant occurrences in the general population are insufficient to allow any conclusion about variant significance. To our knowledge, no occurrence of c.1429C>T in individuals affected with Progressive External Ophthalmoplegia With Mitochondrial DNA Deletions, Autosomal Dominant 3 and no experimental evidence demonstrating its impact on protein function have been reported. ClinVar contains an entry for this variant (Variation ID: 1191969). Based on the evidence outlined above, the variant was classified as uncertain significance.

Labcorp Genetics (formerly Invitae), Labcorp
Classification: Uncertain significance. Last evaluated: 2024-10-26. Review status: criteria provided, single submitter. Criteria: Invitae Variant Classification Sherloc (09022015). Collection method: clinical testing. Allele origin: germline.
Comment: This sequence change replaces arginine, which is basic and polar, with cysteine, which is neutral and slightly polar, at codon 477 of the TWNK protein (p.Arg477Cys). This variant is present in population databases (rs760427334, gnomAD 0.003%). This variant has not been reported in the literature in individuals affected with TWNK-related conditions. ClinVar contains an entry for this variant (Variation ID: 1191969). Invitae Evidence Modeling of protein sequence and biophysical properties (such as structural, functional, and spatial information, amino acid conservation, physicochemical variation, residue mobility, and thermodynamic stability) indicates that this missense variant is expected to disrupt TWNK protein function with a positive predictive value of 95%. In summary, the available evidence is currently insufficient to determine the role of this variant in disease. Therefore, it has been classified as a Variant of Uncertain Significance.

CeGaT Center for Human Genetics Tuebingen
Classification: Uncertain significance. Last evaluated: 2023-03-01. Review status: criteria provided, single submitter. Criteria: CeGaT Center For Human Genetics Tuebingen Variant Classification Criteria Version 2. Collection method: clinical testing. Allele origin: germline. Affected: yes. Observed: 1 variant allele.
Comment: TWNK: PM1, PM2, PP3

Blueprint Genetics
Classification: Uncertain significance. Last evaluated: 2020-04-03. Review status: criteria provided, single submitter. Criteria: ACMG Guidelines, 2015. Collection method: clinical testing. Allele origin: germline.

GeneDx
Classification: Uncertain significance. Last evaluated: 2020-01-20. Review status: criteria provided, single submitter. Criteria: GeneDx Variant Classification Process June 2021. Collection method: clinical testing. Allele origin: germline. Affected: yes.
Comment: Not observed in large population cohorts (Lek et al., 2016); In silico analysis, which includes protein predictors and evolutionary conservation, supports a deleterious effect; Has not been previously published as pathogenic or benign to our knowledge